The following is an entry in ClinVar:

ClinVar aggregate classification (germline): Conflicting classifications of pathogenicity. Review status: criteria provided, conflicting classifications (1 of 4 stars). 10 submissions from 10 submitters: Uncertain significance (4); Benign (2); Likely benign (4). Last evaluated 2026-01-11.

Conditions:
Isolated focal cortical dysplasia type II (FCORD2). Also called: CORTICAL DYSPLASIA OF TAYLOR; Focal cortical dysplasia type II. Identifiers: Orphanet 268994, MedGen C1846385, MONDO:0011818, OMIM 607341, HP:0032051.
Tuberous sclerosis 2 (TSC2). Identifiers: Orphanet 805, MedGen C1860707, MONDO:0013199, OMIM 613254.
Lymphangiomyomatosis (LAM). Also called: Lymphangioleiomyomatosis, somatic; Lymphangioleiomyomatosis. Identifiers: Orphanet 538, MedGen C0751674, MONDO:0011705, OMIM 606690.
TSC2-related disorder. Also called: TSC2-related condition; TSC2-Related Disorders.
Hereditary cancer-predisposing syndrome. Also called: Neoplastic Syndromes, Hereditary; Hereditary neoplastic syndrome; Hereditary Cancer Syndrome; Tumor predisposition. Identifiers: Orphanet 140162, MedGen C0027672, MeSH D009386, MONDO:0015356.
Tuberous sclerosis syndrome (TSC). Also called: Tuberous sclerosis; Tuberous Sclerosis Complex. Identifiers: Orphanet 805, MedGen C0041341, MONDO:0001734.

Allele frequency attached by ClinVar (database versions not stated): gnomAD 0.00001; TOPMed 0.00002; ExAC 0.00012.
gnomAD v4.1: 52 of 1,595,930 alleles (0.0033%); highest among the groups gnomAD compares: Admixed American, 0.0086%; no homozygotes.

Submissions (10):

Labcorp Genetics (formerly Invitae), Labcorp
Classification: Benign for Tuberous sclerosis 2. Last evaluated: 2026-01-11. Review status: criteria provided, single submitter. Criteria: Invitae Variant Classification Sherloc (09022015). Collection method: clinical testing. Allele origin: germline.

Mayo Clinic Laboratories, Mayo Clinic
Classification: Uncertain significance. Last evaluated: 2025-12-10. Review status: criteria provided, single submitter. Criteria: ACMG Guidelines, 2015. Collection method: clinical testing. Allele origin: germline. Observed: 1 variant allele.

PreventionGenetics, part of Exact Sciences
Classification: Likely benign for TSC2-related condition. Last evaluated: 2025-04-23. Review status: criteria provided, single submitter. Criteria: ACMG Guidelines, 2015. Collection method: clinical testing. Allele origin: germline.
Comment: This variant is classified as likely benign based on ACMG/AMP sequence variant interpretation guidelines (Richards et al. 2015 PMID: 25741868, with internal and published modifications).

All of Us Research Program, National Institutes of Health
Classification: Uncertain significance for Tuberous sclerosis syndrome. Last evaluated: 2024-09-23. Review status: criteria provided, single submitter. Criteria: ACMG Guidelines, 2015. Collection method: clinical testing. Allele origin: germline. Inheritance: Autosomal dominant inheritance. Observed: 9 variant alleles, 9 heterozygotes.
Comment: This missense variant replaces valine with methionine at codon 679 of the TSC2 protein. Computational prediction is inconclusive regarding the impact of this variant on protein structure and function (internally defined REVEL score threshold 0.5 < inconclusive < 0.7, PMID: 27666373). To our knowledge, functional studies have not been reported for this variant. This variant has not been reported in individuals affected with tuberous sclerosis complex in the literature. This variant has not been identified in the general population by the Genome Aggregation Database (gnomAD). The available evidence is insufficient to determine the role of this variant in disease conclusively. Therefore, this variant is classified as a Variant of Uncertain Significance.

This study involves interpretation of variants in research participants for the purpose of population health screening. Participant phenotype was not available at the time of variant classification. Additional details can be found in publication PMID: 35346344, PMCID: PMC8962531

Quest Diagnostics Nichols Institute San Juan Capistrano
Classification: Uncertain significance. Last evaluated: 2024-09-17. Review status: criteria provided, single submitter. Criteria: Quest Diagnostics criteria. Collection method: clinical testing. Allele origin: unknown.
Comment: The TSC2 c.2035G>A (p.Val679Met) variant has not been reported as a germline variant in the published literature. The frequency of this variant in the general population, 0.000043 (4/92904 chromosomes (Genome Aggregation Database)), is uninformative in the assessment of its pathogenicity. Analysis of this variant using bioinformatics tools for the prediction of the effect of amino acid changes on protein structure and function yielded conflicting predictions that this variant is benign or damaging. Based on the available information, we are unable to determine the clinical significance of this variant.

Color Diagnostics, LLC DBA Color Health
Classification: Uncertain significance for Tuberous sclerosis syndrome. Last evaluated: 2024-05-08. Review status: criteria provided, single submitter. Criteria: ACMG Guidelines, 2015. Collection method: clinical testing. Allele origin: germline.
Comment: This missense variant replaces valine with methionine at codon 679 of the TSC2 protein. Computational prediction is inconclusive regarding the impact of this variant on protein structure and function. To our knowledge, functional studies have not been reported for this variant. This variant has not been reported in individuals affected with tuberous sclerosis complex in the literature. This variant has not been identified in the general population by the Genome Aggregation Database (gnomAD). The available evidence is insufficient to determine the role of this variant in disease conclusively. Therefore, this variant is classified as a Variant of Uncertain Significance.

Fulgent Genetics
Classification: Likely benign for Lymphangiomyomatosis; Isolated focal cortical dysplasia type II; Tuberous sclerosis 2. Last evaluated: 2022-05-20. Review status: criteria provided, single submitter. Criteria: ACMG Guidelines, 2015. Collection method: clinical testing. Allele origin: unknown.

Genome-Nilou Lab
Classification: Benign for Tuberous sclerosis 2. Last evaluated: 2021-11-07. Review status: criteria provided, single submitter. Criteria: ACMG Guidelines, 2015. Collection method: clinical testing. Allele origin: germline. Affected: no.

Ambry Genetics
Classification: Likely benign for Hereditary cancer-predisposing syndrome. Last evaluated: 2020-03-04. Review status: criteria provided, single submitter. Criteria: Ambry Variant Classification Scheme 2023. Collection method: clinical testing. Allele origin: germline.

GeneDx
Classification: Likely benign. Last evaluated: 2017-04-24. Review status: criteria provided, single submitter. Criteria: GeneDx Variant Classification (06012015). Collection method: clinical testing. Allele origin: germline. Affected: yes.
Comment: This variant is considered likely benign or benign based on one or more of the following criteria: it is a conservative change, it occurs at a poorly conserved position in the protein, it is predicted to be benign by multiple in silico algorithms, and/or has population frequency not consistent with disease.

Literature cited by the submitters: PubMed 30787465 (cited by Quest Diagnostics Nichols Institute San Juan Capistrano); PubMed 36117189 (cited by Quest Diagnostics Nichols Institute San Juan Capistrano).

NM_000548.5(TSC2):c.2035G>A (p.Val679Met)

Gene: TSC2 (TSC complex subunit 2; plus strand). Cytogenetic location: 16p13.3.
Variant type: single nucleotide variant.
Coding change: c.2035G>A on transcript NM_000548.5 (MANE Select); coding-DNA position 2035, G replaced by A.
Protein change: p.Val679Met; replaces valine 679 with methionine.
Molecular consequence: missense variant.
Genome position (GRCh38, 1-based): chr16:2,071,872, G>A. VCF-style: chr16-2071872-G-A. GRCh37 (hg19) VCF-style: chr16-2121873-G-A.
Other names: p.Val679Met; c.2035G>A, p.Val679Met (NM_001077183.3, NM_001114382.3, NM_001363528.2 and 3 more transcripts); c.1924G>A, p.Val642Met (NM_001318827.2); c.1888G>A, p.Val630Met (NM_001318829.2); c.1435G>A, p.Val479Met (NM_001318831.2); c.2068G>A, p.Val690Met (NM_001318832.2); c.2035G>A (NM_000548.4); short protein forms V679M, V479M, V630M, V690M, V642M.
Identifiers: ClinVar variation 237976 (VCV000237976.27), dbSNP rs746315218, ClinGen allele CA035939.
Genomic context (GRCh38, chr16:2,071,872, plus strand): 5'-ACCAGCGGCCCCCTTTCTCCTCCCACAGGGCCTCCTGGCCCGGCGCCTGCAGGCCCCGCC[G>A]TGCGGCTGGGGTCCGTGCCCTACTCCCTGCTCTTCCGCGTCCTGCTGCAGTGCTTGAAGC-3'
Protein context (NP_000539.2, residues 669-689): PPGPAPAGPA[Val679Met]RLGSVPYSLL